The following is an entry in ClinVar:

NM_003073.5(SMARCB1):c.419A>G (p.His140Arg)

Gene: SMARCB1 (SWI/SNF related BAF chromatin remodeling complex subunit B1; plus strand). Cytogenetic location: 22q11.23.
Variant type: single nucleotide variant.
Coding change: c.419A>G on transcript NM_003073.5 (MANE Select); coding-DNA position 419, A replaced by G.
Protein change: p.His140Arg; replaces histidine 140 with arginine.
Molecular consequence: missense variant.
Genome position (GRCh38, 1-based): chr22:23,801,000, A>G. VCF-style: chr22-23801000-A-G. GRCh37 (hg19) VCF-style: chr22-24143187-A-G.
Other names: c.392A>G, p.His131Arg (NM_001007468.3, NM_001317946.2); c.419A>G, p.His140Arg (NM_001362877.2); short protein forms H140R, H131R.
Identifiers: ClinVar variation 3958519 (VCV003958519.1).
Genomic context (GRCh38, chr22:23,801,000, plus strand): 5'-TCAGGGAACAGAAGGCCAAGAGGAACAGCCAGTGGGTACCCACCCTGCCCAACAGCTCCC[A>G]CCACTTAGATGCCGTGCCATGCTCCACAACCATCAACAGGAACCGCATGGGCCGAGACAA-3'
Protein context (NP_003064.2, residues 130-150): QWVPTLPNSS[His140Arg]HLDAVPCSTT

ClinVar aggregate classification (germline): Uncertain significance (1 of 4 stars; one submission).

Conditions:
Hereditary cancer-predisposing syndrome. Also called: Tumor predisposition; Hereditary neoplastic syndrome; Hereditary Cancer Syndrome; Neoplastic Syndromes, Hereditary. Identifiers: Orphanet 140162, MedGen C0027672, MeSH D009386, MONDO:0015356.

gnomAD v4.1: 1 of 1,614,064 alleles (0.000062%); highest among the groups gnomAD compares: Non-Finnish European, 0.000085%; no homozygotes.

Submission:

Ambry Genetics
Classification: Uncertain significance for Hereditary cancer-predisposing syndrome. Last evaluated: 2025-03-31. Review status: criteria provided, single submitter. Criteria: Ambry Variant Classification Scheme 2023. Collection method: clinical testing. Allele origin: germline.
Comment: The p.H140R variant (also known as c.419A>G), located in coding exon 4 of the SMARCB1 gene, results from an A to G substitution at nucleotide position 419. The histidine at codon 140 is replaced by arginine, an amino acid with highly similar properties. This amino acid position is conserved. In addition, this alteration is predicted to be deleterious by in silico analysis. Based on the available evidence, the clinical significance of this variant remains unclear.